The following is an entry in ClinVar:

ClinVar aggregate classification (germline): Likely benign. Review status: criteria provided, multiple submitters, no conflicts (2 of 4 stars). 2 submissions from 2 submitters: Likely benign (2). Last evaluated 2025-10-01.

Conditions:
COL9A1-related disorder. Also called: COL9A1-related condition; COL9A1-related disorders.

Allele frequency attached by ClinVar (database versions not stated): gnomAD 0.00001; TOPMed 0.00002.
gnomAD v4.1: 10 of 1,613,420 alleles (0.00062%); highest among the groups gnomAD compares: Non-Finnish European, 0.00076%; no homozygotes.

Submissions (2):

Labcorp Genetics (formerly Invitae), Labcorp
Classification: Likely benign. Last evaluated: 2025-10-01. Review status: criteria provided, single submitter. Criteria: Invitae Variant Classification Sherloc (09022015). Collection method: clinical testing. Allele origin: germline.

PreventionGenetics, part of Exact Sciences
Classification: Likely benign for COL9A1-related condition. Last evaluated: 2024-11-23. Review status: criteria provided, single submitter. Criteria: ACMG Guidelines, 2015. Collection method: clinical testing. Allele origin: germline.
Comment: This variant is classified as likely benign based on ACMG/AMP sequence variant interpretation guidelines (Richards et al. 2015 PMID: 25741868, with internal and published modifications).

NM_001851.6(COL9A1):c.921A>T (p.Ala307=)

Gene: COL9A1 (collagen type IX alpha 1 chain; minus strand). Cytogenetic location: 6q13.
Variant type: single nucleotide variant.
Coding change: c.921A>T on transcript NM_001851.6 (MANE Select); coding-DNA position 921, A replaced by T.
Protein change: p.Ala307=; no amino-acid change (alanine 307 retained).
Molecular consequence: synonymous variant. On other transcripts: non-coding transcript variant (1).
Genome position (GRCh38, 1-based): chr6:70,280,866, T>A on the plus strand (A>T on the coding strand, the complement: COL9A1 is on the minus strand). VCF-style: chr6-70280866-T-A. GRCh37 (hg19) VCF-style: chr6-70990569-T-A.
Other names: c.192A>T, p.Ala64= (NM_001377289.1, NM_001377290.1, NM_078485.4); c.921A>T, p.Ala307= (NM_001377291.1); c.921A>T (NM_001851.4).
Identifiers: ClinVar variation 1103155 (VCV001103155.10), dbSNP rs1398982856, ClinGen allele CA450719338.